The following is an entry in ClinVar:

ClinVar aggregate classification (germline): Pathogenic/Likely pathogenic. Review status: criteria provided, multiple submitters, no conflicts (2 of 4 stars). 2 submissions from 2 submitters: Pathogenic (1); Likely pathogenic (1). Last evaluated 2023-09-15.

Conditions:
Hereditary spastic paraplegia 11. Also called: Spastic paraplegia, mental retardation and thin corpus callosum; SPASTIC PARAPLEGIA, AUTOSOMAL RECESSIVE, COMPLICATED, WITH THIN CORPUS CALLOSUM; SPASTIC PARAPLEGIA, AUTOSOMAL RECESSIVE, WITH MENTAL IMPAIRMENT AND THIN CORPUS CALLOSUM; Spastic Paraplegia 11; Nakamura Osame syndrome; Autosomal recessive hereditary spastic paraplegia, mental impairment, and thin corpus callosum. Identifiers: Orphanet 2822, MedGen C1858479, MONDO:0011445, OMIM 604360.

Submissions (2):

Labcorp Genetics (formerly Invitae), Labcorp
Classification: Likely pathogenic for Hereditary spastic paraplegia 11. Last evaluated: 2023-09-15. Review status: criteria provided, single submitter. Criteria: Invitae Variant Classification Sherloc (09022015). Collection method: clinical testing. Allele origin: germline.
Comment: In summary, the currently available evidence indicates that the variant is pathogenic, but additional data are needed to prove that conclusively. Therefore, this variant has been classified as Likely Pathogenic. Algorithms developed to predict the effect of sequence changes on RNA splicing suggest that this variant may disrupt the consensus splice site. ClinVar contains an entry for this variant (Variation ID: 1323641). This variant has not been reported in the literature in individuals affected with SPG11-related conditions. This variant is not present in population databases (gnomAD no frequency). This sequence change affects a donor splice site in intron 38 of the SPG11 gene. It is expected to disrupt RNA splicing. Variants that disrupt the donor or acceptor splice site typically lead to a loss of protein function (PMID: 16199547), and loss-of-function variants in SPG11 are known to be pathogenic (PMID: 19105190, 20110243, 22154821, 26556829).

Revvity Omics, Revvity
Classification: Pathogenic. Last evaluated: 2019-12-05. Review status: criteria provided, single submitter. Criteria: ACMG Guidelines, 2015. Collection method: clinical testing. Allele origin: germline.

Literature cited by the submitters: PubMed 16199547 (cited by Labcorp Genetics (formerly Invitae), Labcorp); PubMed 19105190 (cited by Labcorp Genetics (formerly Invitae), Labcorp); PubMed 20110243 (cited by Labcorp Genetics (formerly Invitae), Labcorp); PubMed 22154821 (cited by Labcorp Genetics (formerly Invitae), Labcorp); PubMed 26556829 (cited by Labcorp Genetics (formerly Invitae), Labcorp).

NM_025137.4(SPG11):c.6999+1G>C

Gene: SPG11 (SPG11 vesicle trafficking associated, spatacsin; minus strand). Cytogenetic location: 15q21.1.
Variant type: single nucleotide variant.
Coding change: c.6999+1G>C on transcript NM_025137.4 (MANE Select); the canonical splice donor site of the intron after coding-DNA position 6999, G replaced by C.
Molecular consequence: splice donor variant.
Genome position (GRCh38, 1-based): chr15:44,565,853, C>G on the plus strand (G>C on the coding strand, the complement: SPG11 is on the minus strand). VCF-style: chr15-44565853-C-G. GRCh37 (hg19) VCF-style: chr15-44858051-C-G.
Other names: c.6855+1G>C (NM_001411132.1); c.6660+1G>C (NM_001160227.2).
Identifiers: ClinVar variation 1323641 (VCV001323641.7), dbSNP rs1191614292, ClinGen allele CA392213015.
Genomic context (GRCh38, chr15:44,565,853, plus strand): 5'-GAGTGGGACAGAAGGAGAGAGGATGCTAGCAGTGCTGGCTACAGTTTGCTTTCTTGCTCA[C>G]CTGGTAGAACCGAGGTAGGGCCAGAATACAGTCCATCAGCTTGTGGCGGCCCAAGTTGAT-3'